The following is an entry in ClinVar:

ClinVar aggregate classification (germline): Uncertain significance (1 of 4 stars; one submission).

Conditions:
MIR17HG-related disorder. Also called: MIR17HG-related condition.

Submission:

PreventionGenetics, part of Exact Sciences
Classification: Uncertain significance for MIR17HG-related condition. Last evaluated: 2024-10-28. Review status: criteria provided, single submitter. Criteria: ACMG Guidelines, 2015. Collection method: clinical testing. Allele origin: germline.
Comment: The MIR17HG n.2904G>C is a noncoding alteration. To our knowledge, this variant has not been reported in the literature or in a large population database (gnomAD), indicating this variant is rare. However, the use of computer prediction programs is not equivalent to functional evidence, and therefore the clinical significance of this variant is uncertain.

NR_197388.1(MIR17HG):n.2652G>C

Gene: MIR17HG (miR-17-92a-1 cluster host gene; plus strand). Cytogenetic location: 13q31.3.
Variant type: single nucleotide variant.
Molecular consequence: non-coding transcript variant (on NR_197388.1).
Genome position: GRCh38 VCF-style: chr13-91352461-G-C. GRCh37 (hg19) VCF-style: chr13-92004715-G-C.
Identifiers: ClinVar variation 4998348 (VCV004998348.1).